The following is an entry in ClinVar:

ClinVar aggregate classification (germline): Uncertain significance. Review status: criteria provided, multiple submitters, no conflicts (2 of 4 stars). 2 submissions from 2 submitters: Uncertain significance (2). Last evaluated 2025-11-04.

Conditions:
Hereditary cancer-predisposing syndrome. Also called: Tumor predisposition; Hereditary Cancer Syndrome; Hereditary neoplastic syndrome; Neoplastic Syndromes, Hereditary. Identifiers: Orphanet 140162, MedGen C0027672, MeSH D009386, MONDO:0015356.

Submissions (2):

Labcorp Genetics (formerly Invitae), Labcorp
Classification: Uncertain significance. Last evaluated: 2025-11-04. Review status: criteria provided, single submitter. Criteria: Invitae Variant Classification Sherloc (09022015). Collection method: clinical testing. Allele origin: germline.
Comment: This sequence change replaces tryptophan, which is neutral and slightly polar, with serine, which is neutral and polar, at codon 1911 of the POLE protein (p.Trp1911Ser). This variant is not present in population databases (gnomAD no frequency). This variant has not been reported in the literature in individuals affected with POLE-related conditions. ClinVar contains an entry for this variant (Variation ID: 1467385). Invitae Evidence Modeling of protein sequence and biophysical properties (such as structural, functional, and spatial information, amino acid conservation, physicochemical variation, residue mobility, and thermodynamic stability) indicates that this missense variant is not expected to disrupt POLE protein function with a negative predictive value of 80%. In summary, the available evidence is currently insufficient to determine the role of this variant in disease. Therefore, it has been classified as a Variant of Uncertain Significance.

Ambry Genetics
Classification: Uncertain significance for Hereditary cancer-predisposing syndrome. Last evaluated: 2023-09-07. Review status: criteria provided, single submitter. Criteria: Ambry Variant Classification Scheme 2023. Collection method: clinical testing. Allele origin: germline.
Comment: The p.W1911S variant (also known as c.5732G>C), located in coding exon 42 of the POLE gene, results from a G to C substitution at nucleotide position 5732. The tryptophan at codon 1911 is replaced by serine, an amino acid with highly dissimilar properties. This amino acid position is conserved. In addition, this alteration is predicted to be deleterious by in silico analysis. Since supporting evidence is limited at this time, the clinical significance of this alteration remains unclear.

NM_006231.4(POLE):c.5732G>C (p.Trp1911Ser)

Gene: POLE (DNA polymerase epsilon, catalytic subunit; minus strand). Cytogenetic location: 12q24.33.
Variant type: single nucleotide variant.
Coding change: c.5732G>C on transcript NM_006231.4 (MANE Select); coding-DNA position 5732, G replaced by C.
Protein change: p.Trp1911Ser; replaces tryptophan 1911 with serine.
Molecular consequence: missense variant.
Genome position (GRCh38, 1-based): chr12:132,635,971, C>G on the plus strand (G>C on the coding strand, the complement: POLE is on the minus strand). VCF-style: chr12-132635971-C-G. GRCh37 (hg19) VCF-style: chr12-133212557-C-G.
Other names: short protein forms W1911S.
Identifiers: ClinVar variation 1467385 (VCV001467385.10), dbSNP rs2138486296, ClinGen allele CA387373104.
Genomic context (GRCh38, chr12:132,635,971, plus strand): 5'-GATGAAACTTTTCCTTTGATTCCGCCATAGTTAGATGGATCCATCCAGAGAAGAAATTCC[C>G]AGCATCGAGAGAAAGAAATTGTCAGAGAATGGAAGGTCTCCTTTGAATGGATGCTGCAGA-3'
Protein context (NP_006222.2, residues 1901-1921): HSLTISFSRC[Trp1911Ser]EFLLWMDPSN